The following is an entry in ClinVar:

NM_001377.3(DYNC2H1):c.1094_1095dup (p.Thr366fs)

Gene: DYNC2H1 (dynein cytoplasmic 2 heavy chain 1; plus strand). Cytogenetic location: 11q22.3.
Variant type: Duplication.
Coding change: c.1094_1095dup on transcript NM_001377.3 (MANE Select); coding-DNA positions 1094 to 1095, 2 bases duplicated (TT; older notation c.1094_1095dupTT).
Protein change: p.Thr366fs; shifts the reading frame from threonine 366.
Molecular consequence: frameshift variant.
Genome position (GRCh38, 1-based): chr11:103,120,541-103,120,542, TT duplicated; duplicating any 2 consecutive bases within chr11:103,120,539-103,120,542 gives the same sequence; the c. name uses the placement nearest the transcript's 3' end. VCF-style (leftmost placement, unchanged base first): chr11-103120538-C-CTT. GRCh37 (hg19) VCF-style: chr11-102991267-C-CTT.
Other names: c.1094_1095dup, p.Thr366fs (NM_001080463.2); short protein forms T366fs.
Identifiers: ClinVar variation 5003984 (VCV005003984.1).

ClinVar aggregate classification (germline): Pathogenic (1 of 4 stars; one submission).

Conditions:
Asphyxiating thoracic dystrophy 3. Also called: SHORT-RIB THORACIC DYSPLASIA 3 WITH OR WITHOUT POLYDACTYLY; POLYDACTYLY WITH NEONATAL CHONDRODYSTROPHY, TYPE I; SHORT-RIB THORACIC DYSPLASIA 3/6 WITH POLYDACTYLY, DIGENIC; Short rib polydactyly syndrome 2B; Saldino-Noonan Syndrome. Identifiers: Orphanet 474, Orphanet 93269, Orphanet 93270, Orphanet 93271, MedGen C0036069, MONDO:0013127, OMIM 613091.

Submission:

Myriad Genetics, Inc.
Classification: Pathogenic for Asphyxiating thoracic dystrophy 3. Last evaluated: 2025-11-26. Review status: criteria provided, single submitter. Criteria: Myriad Autosomal Dominant, Autosomal Recessive and X-Linked Classification Criteria (2023). Collection method: clinical testing. Allele origin: unknown.
Comment: NM_001377.2(DYNC2H1):c.1094_1095dupTT(T366Lfs*4) is a frameshift variant classified as pathogenic in the context of DYNC2H1-related disorders. T366Lfs*4 has not been observed in cases with relevant disease. Relevant functional assessments of this variant are not available in the literature. T366Lfs*4 has been observed in referenced population frequency databases. In summary, NM_001377.2(DYNC2H1):c.1094_1095dupTT(T366Lfs*4) is a frameshift variant in a gene where loss of function is a known mechanism of disease and is predicted to disrupt protein function. Please note: this variant was assessed in the context of healthy population screening.